The following is an entry in ClinVar:

NM_182895.5(SCARF2):c.972C>A (p.Gly324=)

Gene: SCARF2 (scavenger receptor class F member 2; minus strand). Cytogenetic location: 22q11.21.
Variant type: single nucleotide variant.
Coding change: c.972C>A on transcript NM_182895.5 (MANE Select); coding-DNA position 972, C replaced by A.
Protein change: p.Gly324=; no amino-acid change (glycine 324 retained).
Molecular consequence: synonymous variant.
Genome position (GRCh38, 1-based): chr22:20,430,791, G>T on the plus strand (C>A on the coding strand, the complement: SCARF2 is on the minus strand). VCF-style: chr22-20430791-G-T. GRCh37 (hg19) VCF-style: chr22-20785078-G-T.
Other names: c.972C>A, p.Gly324= (NM_153334.7).
Identifiers: ClinVar variation 2652898 (VCV002652898.27), dbSNP rs77962729, ClinGen allele CA10112558.

ClinVar aggregate classification (germline): Benign/Likely benign. Review status: criteria provided, multiple submitters, no conflicts (2 of 4 stars). 2 submissions from 2 submitters: Benign (1); Likely benign (1). Last evaluated 2023-07-01.

Allele frequency attached by ClinVar (database versions not stated): TOPMed 0.00029; gnomAD 0.00066; gnomAD exomes 0.00066; ExAC 0.00082; 1000 Genomes Project 30x 0.00172; 1000 Genomes Project 0.00180.
gnomAD v4.1: 1,045 of 1,605,930 alleles (0.065%); highest among the groups gnomAD compares: East Asian, 1.7%; 11 homozygotes.

Submissions (2):

CeGaT Center for Human Genetics Tuebingen
Classification: Likely benign. Last evaluated: 2023-07-01. Review status: criteria provided, single submitter. Criteria: CeGaT Center For Human Genetics Tuebingen Variant Classification Criteria Version 2. Collection method: clinical testing. Allele origin: germline. Affected: yes. Observed: 1 variant allele.
Comment: SCARF2: BP4, BP7

Labcorp Genetics (formerly Invitae), Labcorp
Classification: Benign. Last evaluated: 2023-02-09. Review status: criteria provided, single submitter. Criteria: Invitae Variant Classification Sherloc (09022015). Collection method: clinical testing. Allele origin: germline.